The following is an entry in ClinVar:

ClinVar aggregate classification (germline): Uncertain significance (1 of 4 stars; one submission).

Conditions:
OPA3-related disorder. Also called: OPA3-related condition.

Submission:

PreventionGenetics, part of Exact Sciences
Classification: Uncertain significance for OPA3-related condition. Last evaluated: 2023-06-03. Review status: criteria provided, single submitter. Criteria: ACMG Guidelines, 2015. Collection method: clinical testing. Allele origin: germline.
Comment: The OPA3 c.199G>T variant is predicted to result in the amino acid substitution p.Val67Phe. To our knowledge, this variant has not been reported in the literature. This variant is reported in 0.00090% of alleles in individuals of European (Non-Finnish) descent in gnomAD. At this time, the clinical significance of this variant is uncertain due to the absence of conclusive functional and genetic evidence.

NM_025136.4(OPA3):c.199G>T (p.Val67Phe)

Genes: OPA3 (outer mitochondrial membrane lipid metabolism regulator OPA3; minus strand), OPA3-RTN2 (OPA3-RTN2 readthrough; minus strand). Cytogenetic location: 19q13.32.
Variant type: single nucleotide variant.
Coding change: c.199G>T on transcript NM_025136.4 (MANE Select); coding-DNA position 199, G replaced by T.
Protein change: p.Val67Phe; replaces valine 67 with phenylalanine.
Molecular consequence: missense variant. On other transcripts: intron variant (1).
Genome position (GRCh38, 1-based): chr19:45,553,855, C>A on the plus strand (G>T on the coding strand, the complement: OPA3 is on the minus strand). VCF-style: chr19-45553855-C-A. GRCh37 (hg19) VCF-style: chr19-46057113-C-A.
Other names: c.143-24399G>T (NM_001017989.3); short protein forms V67F.
Identifiers: ClinVar variation 2635410 (VCV002635410.1), dbSNP rs1431669356, ClinGen allele CA406371291.